The following is an entry in ClinVar:

NM_001909.5(CTSD):c.912G>A (p.Pro304=)

Gene: CTSD (cathepsin D; minus strand). Cytogenetic location: 11p15.5.
Variant type: single nucleotide variant.
Coding change: c.912G>A on transcript NM_001909.5 (MANE Select); coding-DNA position 912, G replaced by A.
Protein change: p.Pro304=; no amino-acid change (proline 304 retained).
Molecular consequence: synonymous variant.
Genome position (GRCh38, 1-based): chr11:1,754,054, C>T on the plus strand (G>A on the coding strand, the complement: CTSD is on the minus strand). VCF-style: chr11-1754054-C-T. GRCh37 (hg19) VCF-style: chr11-1775284-C-T.
Other names: p.P304P:CCG>CCA; p.Pro304=.
Identifiers: ClinVar variation 137040 (VCV000137040.54), dbSNP rs140238987, ClinGen allele CA232472.

ClinVar aggregate classification (germline): Conflicting classifications of pathogenicity. Review status: criteria provided, conflicting classifications (1 of 4 stars). 12 submissions from 12 submitters: Uncertain significance (2); Benign (4); Likely benign (3). 3 of the submissions do not count toward it. Last evaluated 2026-08-01.

Conditions:
CTSD-related disorder. Also called: CTSD-related condition.
Inborn genetic diseases. Identifiers: MedGen C0950123, MeSH D030342.
Neuronal ceroid lipofuscinosis. Also called: Neuronal Ceroid Lipofuscinoses. Identifiers: Orphanet 216, Orphanet 79263, MedGen C0027877, MONDO:0016295. Disease mechanism: loss of function.
Neuronal ceroid lipofuscinosis 10 (CLN10). Also called: NEURONAL CEROID LIPOFUSCINOSIS DUE TO CATHEPSIN D DEFICIENCY; CTSD-Related Neuronal Ceroid-Lipofuscinosis. Identifiers: Orphanet 228337, MedGen C1864669, MONDO:0012414, OMIM 610127.

Allele frequency attached by ClinVar (database versions not stated): 1000 Genomes Project 0.00100; 1000 Genomes Project 30x 0.00109; ESP Exome Variant Server 0.00223; ExAC 0.00230; TOPMed 0.00273; gnomAD 0.00281.
gnomAD v4.1: 4,676 of 1,611,174 alleles (0.29%); highest among the groups gnomAD compares: Admixed American, 0.36%; 10 homozygotes.

Submissions (12):

CeGaT Center for Human Genetics Tuebingen
Classification: Likely benign. Last evaluated: 2026-08-01. Review status: criteria provided, single submitter. Criteria: CeGaT Center For Human Genetics Tuebingen Variant Classification Criteria Version 2. Collection method: clinical testing. Allele origin: germline. Affected: yes. Observed: 6 variant alleles.
Comment: CTSD: BP4, BP7

Labcorp Genetics (formerly Invitae), Labcorp
Classification: Benign for Neuronal ceroid lipofuscinosis. Last evaluated: 2026-02-02. Review status: criteria provided, single submitter. Criteria: Invitae Variant Classification Sherloc (09022015). Collection method: clinical testing. Allele origin: germline.

Mayo Clinic Laboratories, Mayo Clinic
Classification: Benign. Last evaluated: 2025-10-28. Review status: criteria provided, single submitter. Criteria: ACMG Guidelines, 2015. Collection method: clinical testing. Allele origin: germline. Observed: 5 variant alleles.
Comment: BS1, BS2, BP4, BP7

Blueprint Genetics
Classification: Likely benign. Last evaluated: 2024-11-21. Review status: criteria provided, single submitter. Criteria: ACMG Guidelines, 2015. Collection method: clinical testing. Allele origin: germline.

Athena Diagnostics
Classification: Benign. Last evaluated: 2024-08-14. Review status: criteria provided, single submitter. Criteria: Athena Diagnostics Criteria. Collection method: clinical testing. Allele origin: unknown.

Illumina Laboratory Services, Illumina
Classification: Uncertain significance for Neuronal ceroid lipofuscinosis 10. Last evaluated: 2018-01-13. Review status: criteria provided, single submitter. Criteria: ICSL Variant Classification Criteria 13 December 2019. Collection method: clinical testing. Allele origin: germline.

Eurofins Ntd Llc (ga)
Classification: Uncertain significance. Last evaluated: 2017-05-30. Review status: criteria provided, single submitter. Criteria: EGL Classification Definitions 2015. Collection method: clinical testing. Allele origin: germline. Observed: 8 variant alleles, 8 heterozygotes.

Ambry Genetics
Classification: Likely benign for Inborn genetic diseases. Last evaluated: 2016-06-16. Review status: criteria provided, single submitter. Criteria: Ambry Variant Classification Scheme 2023. Collection method: clinical testing. Allele origin: germline.

GeneDx
Classification: Benign. Last evaluated: 2012-11-13. Review status: criteria provided, single submitter. Criteria: GeneDx Variant Classification (06012015). Collection method: clinical testing. Allele origin: germline. Affected: yes.
Comment: This variant is considered likely benign or benign based on one or more of the following criteria: it is a conservative change, it occurs at a poorly conserved position in the protein, it is predicted to be benign by multiple in silico algorithms, and/or has population frequency not consistent with disease.

PreventionGenetics, part of Exact Sciences
Classification: Likely benign for CTSD-related condition. Last evaluated: 2021-02-17. Review status: no assertion criteria provided. Collection method: clinical testing. Allele origin: germline. Not counted in ClinVar's aggregate classification.
Comment: This variant is classified as likely benign based on ACMG/AMP sequence variant interpretation guidelines (Richards et al. 2015 PMID: 25741868, with internal and published modifications).

Clinical Genetics DNA and cytogenetics Diagnostics Lab, Erasmus MC, Erasmus Medical Center
Classification: Likely benign. Review status: no assertion criteria provided. Collection method: clinical testing. Allele origin: germline. Affected: yes. Study: VKGL Data-share Consensus. Not counted in ClinVar's aggregate classification.

Genome Diagnostics Laboratory, Amsterdam University Medical Center
Classification: Likely benign. Review status: no assertion criteria provided. Collection method: clinical testing. Allele origin: germline. Affected: yes. Study: VKGL Data-share Consensus. Not counted in ClinVar's aggregate classification.

Literature cited by the submitters: PubMed 32267580 (cited by Athena Diagnostics); PubMed 27843123 (cited by Athena Diagnostics).